The following is an entry in ClinVar:

NM_152327.5(AK7):c.986T>C (p.Met329Thr)

Gene: AK7 (adenylate kinase 7; plus strand). Cytogenetic location: 14q32.2.
Variant type: single nucleotide variant.
Coding change: c.986T>C on transcript NM_152327.5 (MANE Select); coding-DNA position 986, T replaced by C.
Protein change: p.Met329Thr; replaces methionine 329 with threonine.
Molecular consequence: missense variant.
Genome position (GRCh38, 1-based): chr14:96,451,458, T>C. VCF-style: chr14-96451458-T-C. GRCh37 (hg19) VCF-style: chr14-96917795-T-C.
Other names: c.986T>C, p.Met329Thr (NM_001350888.2, NM_001350890.2, NM_001350892.2); c.908T>C, p.Met303Thr (NM_001350891.2); short protein forms M329T, M303T.
Identifiers: ClinVar variation 2790708 (VCV002790708.3), dbSNP rs1350176693, ClinGen allele CA390913886.

ClinVar aggregate classification (germline): Uncertain significance (1 of 4 stars; one submission).

Allele frequency attached by ClinVar (database versions not stated): gnomAD 0.00001; TOPMed 0.00001.

Submission:

Labcorp Genetics (formerly Invitae), Labcorp
Classification: Uncertain significance. Last evaluated: 2023-06-22. Review status: criteria provided, single submitter. Criteria: Invitae Variant Classification Sherloc (09022015). Collection method: clinical testing. Allele origin: germline.
Comment: In summary, the available evidence is currently insufficient to determine the role of this variant in disease. Therefore, it has been classified as a Variant of Uncertain Significance. Advanced modeling of protein sequence and biophysical properties (such as structural, functional, and spatial information, amino acid conservation, physicochemical variation, residue mobility, and thermodynamic stability) performed at Invitae indicates that this missense variant is not expected to disrupt AK7 protein function. This variant has not been reported in the literature in individuals affected with AK7-related conditions. This variant is not present in population databases (gnomAD no frequency). This sequence change replaces methionine, which is neutral and non-polar, with threonine, which is neutral and polar, at codon 329 of the AK7 protein (p.Met329Thr).